The following is an entry in ClinVar:

ClinVar aggregate classification (germline): Uncertain significance. Review status: criteria provided, multiple submitters, no conflicts (2 of 4 stars). 4 submissions from 4 submitters: Uncertain significance (3). 1 of the submissions does not count toward it. Last evaluated 2025-09-04.

Conditions:
Prostate cancer, hereditary, 9 (HPC9). Identifiers: Orphanet 1331, MedGen C1970250, MONDO:0012597, OMIM 610997.
Prostate cancer, hereditary, 1 (HPC1). Identifiers: Orphanet 1331, MedGen C4722327, MONDO:0011098, OMIM 601518.
Hereditary cancer-predisposing syndrome. Also called: Neoplastic Syndromes, Hereditary; Tumor predisposition; Hereditary neoplastic syndrome; Hereditary Cancer Syndrome. Identifiers: Orphanet 140162, MedGen C0027672, MeSH D009386, MONDO:0015356.

Allele frequency attached by ClinVar (database versions not stated): gnomAD exomes 0.00001.
gnomAD v4.1: 4 of 1,614,196 alleles (0.00025%); highest among the groups gnomAD compares: Non-Finnish European, 0.00034%; no homozygotes.

Submissions (4):

Labcorp Genetics (formerly Invitae), Labcorp
Classification: Uncertain significance. Last evaluated: 2025-09-04. Review status: criteria provided, single submitter. Criteria: Invitae Variant Classification Sherloc (09022015). Collection method: clinical testing. Allele origin: germline.
Comment: This sequence change replaces glutamine, which is neutral and polar, with histidine, which is basic and polar, at codon 181 of the HOXB13 protein (p.Gln181His). This variant is not present in population databases (gnomAD no frequency). This variant has not been reported in the literature in individuals affected with HOXB13-related conditions. ClinVar contains an entry for this variant (Variation ID: 690843). Invitae Evidence Modeling of protein sequence and biophysical properties (such as structural, functional, and spatial information, amino acid conservation, physicochemical variation, residue mobility, and thermodynamic stability) has been performed for this missense variant. However, the output from this modeling did not meet the statistical confidence thresholds required to predict the impact of this variant on HOXB13 protein function. In summary, the available evidence is currently insufficient to determine the role of this variant in disease. Therefore, it has been classified as a Variant of Uncertain Significance.

Ambry Genetics
Classification: Uncertain significance for Hereditary cancer-predisposing syndrome. Last evaluated: 2023-12-14. Review status: criteria provided, single submitter. Criteria: Ambry Variant Classification Scheme 2023. Collection method: clinical testing. Allele origin: germline.
Comment: The p.Q181H variant (also known as c.543G>T), located in coding exon 1 of the HOXB13 gene, results from a G to T substitution at nucleotide position 543. The glutamine at codon 181 is replaced by histidine, an amino acid with highly similar properties. This amino acid position is conserved. In addition, the in silico prediction for this alteration is inconclusive. Since supporting evidence is limited at this time, the clinical significance of this alteration remains unclear.

Fulgent Genetics
Classification: Uncertain significance for Prostate cancer, hereditary, 9. Last evaluated: 2022-04-15. Review status: criteria provided, single submitter. Criteria: ACMG Guidelines, 2015. Collection method: clinical testing. Allele origin: unknown.

Laboratory of Virology, Microbiology,  Quality and Medical Biotechnologies, Faculty of Sciences and Techniques - Mohammedia, Hassan II University of Casablanca
Classification: Uncertain significance for Prostate cancer, hereditary, 1. Review status: no assertion criteria provided. Collection method: clinical testing. Allele origin: somatic. Affected: yes. Not counted in ClinVar's aggregate classification.

NM_006361.6(HOXB13):c.543G>T (p.Gln181His)

Gene: HOXB13 (homeobox B13; minus strand). Cytogenetic location: 17q21.32.
Variant type: single nucleotide variant.
Coding change: c.543G>T on transcript NM_006361.6 (MANE Select); coding-DNA position 543, G replaced by T.
Protein change: p.Gln181His; replaces glutamine 181 with histidine.
Molecular consequence: missense variant.
Genome position (GRCh38, 1-based): chr17:48,728,051, C>A on the plus strand (G>T on the coding strand, the complement: HOXB13 is on the minus strand). VCF-style: chr17-48728051-C-A. GRCh37 (hg19) VCF-style: chr17-46805413-C-A.
Other names: short protein forms Q181H.
Identifiers: ClinVar variation 690843 (VCV000690843.13), dbSNP rs1597933867, ClinGen allele CA400107226.